The following is an entry in ClinVar:

ClinVar aggregate classification (germline): Uncertain significance. Review status: criteria provided, multiple submitters, no conflicts (2 of 4 stars). 2 submissions from 2 submitters: Uncertain significance (2). Last evaluated 2025-06-09.

Conditions:
Inborn genetic diseases. Identifiers: MedGen C0950123, MeSH D030342.

Allele frequency attached by ClinVar (database versions not stated): gnomAD 0.00001.
gnomAD v4.1: 2 of 1,613,934 alleles (0.00012%); highest among the groups gnomAD compares: African/African-American, 0.0013%; no homozygotes.

Submissions (2):

Ambry Genetics
Classification: Uncertain significance for Inborn genetic diseases. Last evaluated: 2025-06-09. Review status: criteria provided, single submitter. Criteria: Ambry Variant Classification Scheme 2023. Collection method: clinical testing. Allele origin: germline.

Labcorp Genetics (formerly Invitae), Labcorp
Classification: Uncertain significance. Last evaluated: 2022-07-06. Review status: criteria provided, single submitter. Criteria: Invitae Variant Classification Sherloc (09022015). Collection method: clinical testing. Allele origin: germline.
Comment: This sequence change replaces lysine, which is basic and polar, with glutamic acid, which is acidic and polar, at codon 168 of the ATF6 protein (p.Lys168Glu). This variant is not present in population databases (gnomAD no frequency). In summary, the available evidence is currently insufficient to determine the role of this variant in disease. Therefore, it has been classified as a Variant of Uncertain Significance. Algorithms developed to predict the effect of missense changes on protein structure and function are either unavailable or do not agree on the potential impact of this missense change (SIFT: "Tolerated"; PolyPhen-2: "Probably Damaging"; Align-GVGD: "Class C0"). ClinVar contains an entry for this variant (Variation ID: 1524285). This variant has not been reported in the literature in individuals affected with ATF6-related conditions.

NM_007348.4(ATF6):c.502A>G (p.Lys168Glu)

Gene: ATF6 (activating transcription factor 6; plus strand). Cytogenetic location: 1q23.3.
Variant type: single nucleotide variant.
Coding change: c.502A>G on transcript NM_007348.4 (MANE Select); coding-DNA position 502, A replaced by G.
Protein change: p.Lys168Glu; replaces lysine 168 with glutamic acid.
Molecular consequence: missense variant.
Genome position (GRCh38, 1-based): chr1:161,792,141, A>G. VCF-style: chr1-161792141-A-G. GRCh37 (hg19) VCF-style: chr1-161761931-A-G.
Other names: c.502A>G (NM_007348.3); short protein forms K168E.
Identifiers: ClinVar variation 1524285 (VCV001524285.9), dbSNP rs1571134518, ClinGen allele CA343386356.